The following is an entry in ClinVar:

NM_004360.5(CDH1):c.724G>C (p.Val242Leu)

Gene: CDH1 (cadherin 1; plus strand). Cytogenetic location: 16q22.1.
Variant type: single nucleotide variant.
Coding change: c.724G>C on transcript NM_004360.5 (MANE Select); coding-DNA position 724, G replaced by C.
Protein change: p.Val242Leu; replaces valine 242 with leucine.
Molecular consequence: missense variant. On other transcripts: 5 prime UTR variant (2).
Genome position (GRCh38, 1-based): chr16:68,810,233, G>C. VCF-style: chr16-68810233-G-C. GRCh37 (hg19) VCF-style: chr16-68844136-G-C.
Other names: c.724G>C (LRG_301t1); c.724G>C, p.Val242Leu (NM_001317184.2); c.-892G>C (NM_001317185.2); c.-1096G>C (NM_001317186.2); short protein forms V242L.
Identifiers: ClinVar variation 421786 (VCV000421786.2), dbSNP rs111662525, ClinGen allele CA16620241.

ClinVar aggregate classification (germline): Uncertain significance (1 of 4 stars; one submission).

Submission:

GeneDx
Classification: Uncertain significance. Last evaluated: 2016-07-20. Review status: criteria provided, single submitter. Criteria: GeneDx Variant Classification (06012015). Collection method: clinical testing. Allele origin: germline. Affected: yes.
Comment: This variant is denoted CDH1 c.724G>C at the cDNA level, p.Val242Leu (V242L) at the protein level, and results in the change of a Valine to a Leucine (GTT>CTT). This variant has not, to our knowledge, been published in the literature as pathogenic or benign. CDH1 Val242Leu was not observed in approximately 6,500 individuals of European and African American ancestry in the NHLBI Exome Sequencing Project, suggesting it is not a common benign variant in these populations. Since Valine and Leucine share similar properties, this is considered a conservative amino acid substitution. CDH1 Val242Leu occurs at a position where amino acids with properties similar to Valine are tolerated across species and is located in the Cadherin 1 extracellular topological domain (Brooks-Wilson 2004, Figueiredo 2013, UniProt). In silico analyses predict that this variant is unlikely to alter protein structure or function. Based on currently available evidence, it is unclear whether CDH1 Val242Leu is a pathogenic or benign variant. We consider it to be a variant of uncertain significance.